The following is an entry in ClinVar:

NM_000069.3(CACNA1S):c.389T>A (p.Val130Asp)

Gene: CACNA1S (calcium voltage-gated channel subunit alpha1 S; minus strand). Cytogenetic location: 1q32.1.
Variant type: single nucleotide variant.
Coding change: c.389T>A on transcript NM_000069.3 (MANE Select); coding-DNA position 389, T replaced by A.
Protein change: p.Val130Asp; replaces valine 130 with aspartic acid.
Molecular consequence: missense variant.
Genome position (GRCh38, 1-based): chr1:201,093,891, A>T on the plus strand (T>A on the coding strand, the complement: CACNA1S is on the minus strand). VCF-style: chr1-201093891-A-T. GRCh37 (hg19) VCF-style: chr1-201063019-A-T.
Other names: short protein forms V130D.
Identifiers: ClinVar variation 3762026 (VCV003762026.2).

ClinVar aggregate classification (germline): Pathogenic (1 of 4 stars; one submission).

Conditions:
Hypokalemic periodic paralysis, type 1. Also called: Hypokalemic Periodic Paralysis Type 1 (AD); HypoPP. Identifiers: Orphanet 681, MedGen C3714580, MONDO:0042979, OMIM 170400.
Malignant hyperthermia, susceptibility to, 5 (MHS5). Also called: CACNA1S-Related Malignant Hyperthermia Susceptibility. Identifiers: Orphanet 423, MedGen C1866077, MONDO:0011163, OMIM 601887.

Submission:

Labcorp Genetics (formerly Invitae), Labcorp
Classification: Pathogenic for Hypokalemic periodic paralysis, type 1; Malignant hyperthermia, susceptibility to, 5. Last evaluated: 2024-08-29. Review status: criteria provided, single submitter. Criteria: Invitae Variant Classification Sherloc (09022015). Collection method: clinical testing. Allele origin: germline.
Comment: This sequence change replaces valine, which is neutral and non-polar, with aspartic acid, which is acidic and polar, at codon 130 of the CACNA1S protein (p.Val130Asp). This variant is not present in population databases (gnomAD no frequency). This missense change has been observed in individual(s) with autosomal dominant CACNA1S-related conditions (internal data). In at least one individual the variant was observed to be de novo. Invitae Evidence Modeling of protein sequence and biophysical properties (such as structural, functional, and spatial information, amino acid conservation, physicochemical variation, residue mobility, and thermodynamic stability) indicates that this missense variant is expected to disrupt CACNA1S protein function with a positive predictive value of 80%. For these reasons, this variant has been classified as Pathogenic.